The following is an entry in ClinVar:

ClinVar aggregate classification (germline): Uncertain significance (1 of 4 stars; one submission).

Conditions:
Inborn genetic diseases. Identifiers: MedGen C0950123, MeSH D030342.

Submission:

Ambry Genetics
Classification: Uncertain significance for Inborn genetic diseases. Last evaluated: 2024-04-11. Review status: criteria provided, single submitter. Criteria: Ambry Variant Classification Scheme 2023. Collection method: clinical testing. Allele origin: germline.
Comment: The c.748G>A (p.G250R) alteration is located in exon 5 (coding exon 5) of the CACNA1A gene. This alteration results from a G to A substitution at nucleotide position 748, causing the glycine (G) at amino acid position 250 to be replaced by an arginine (R). for CACNA1A-related neurologic disorders and Episodic ataxia type 2; however, it is unlikely to be causative of CACNA1A-related spinocerebellar ataxia. This variant was not reported in population-based cohorts in the Genome Aggregation Database (gnomAD). This amino acid position is highly conserved in available vertebrate species. This missense alteration is located in a region that has a low rate of benign missense variation (Lek, 2016; Firth, 2009). This alteration is predicted to be deleterious by in silico analysis. Based on insufficient or conflicting evidence, the clinical significance of this alteration remains unclear.

NM_001127222.2(CACNA1A):c.748G>A (p.Gly250Arg)

Gene: CACNA1A (calcium voltage-gated channel subunit alpha1 A; minus strand). Cytogenetic location: 19p13.13.
Variant type: single nucleotide variant.
Coding change: c.748G>A on transcript NM_001127222.2 (MANE Select); coding-DNA position 748, G replaced by A.
Protein change: p.Gly250Arg; replaces glycine 250 with arginine.
Molecular consequence: missense variant.
Genome position (GRCh38, 1-based): chr19:13,365,353, C>T on the plus strand (G>A on the coding strand, the complement: CACNA1A is on the minus strand). VCF-style: chr19-13365353-C-T. GRCh37 (hg19) VCF-style: chr19-13476167-C-T.
Other names: c.748G>A, p.Gly250Arg (NM_000068.4, NM_001127221.2, NM_001174080.2 and 1 more transcripts); short protein forms G250R.
Identifiers: ClinVar variation 3136306 (VCV003136306.2), dbSNP rs2513175416, ClinGen allele CA404348383.